The following is an entry in ClinVar:

NM_019597.5(HNRNPH2):c.337G>A (p.Val113Ile)

Genes: HNRNPH2 (heterogeneous nuclear ribonucleoprotein H2; plus strand), RPL36A-HNRNPH2 (RPL36A-HNRNPH2 readthrough; plus strand). Cytogenetic location: Xq22.1.
Variant type: single nucleotide variant.
Coding change: c.337G>A on transcript NM_019597.5 (MANE Select); coding-DNA position 337, G replaced by A.
Protein change: p.Val113Ile; replaces valine 113 with isoleucine.
Molecular consequence: missense variant. On other transcripts: 3 prime UTR variant (2).
Genome position (GRCh38, 1-based): chrX:101,412,325, G>A. VCF-style: chrX-101412325-G-A. GRCh37 (hg19) VCF-style: chrX-100667313-G-A.
Other names: c.*333G>A (NM_001199973.2, NM_001199974.2); c.337G>A, p.Val113Ile (NM_001032393.3); short protein forms V113I.
Identifiers: ClinVar variation 3366628 (VCV003366628.2).
Genomic context (GRCh38, chrX:101,412,325, plus strand): 5'-ATGGATTGGGTGTTGAAGCATACAGGTCCGAATAGCCCTGATACTGCCAACGATGGCTTC[G>A]TCCGGCTTAGAGGACTCCCATTTGGCTGTAGCAAGGAAGAGATTGTTCAGTTCTTTTCAG-3'
Protein context (NP_062543.1, residues 103-123): NSPDTANDGF[Val113Ile]RLRGLPFGCS

ClinVar aggregate classification (germline): Uncertain significance. Review status: criteria provided, multiple submitters, no conflicts (2 of 4 stars). 2 submissions from 2 submitters: Uncertain significance (2). Last evaluated 2024-08-23.

gnomAD v4.1: 2 of 1,211,404 alleles (0.00017%); highest among the groups gnomAD compares: Non-Finnish European, 0.00022%; no homozygotes.

Submissions (2):

Women's Health and Genetics/Laboratory Corporation of America, LabCorp
Classification: Uncertain significance. Last evaluated: 2024-08-23. Review status: criteria provided, single submitter. Criteria: LabCorp Variant Classification Summary - May 2015. Collection method: clinical testing. Allele origin: germline.
Comment: Variant summary: HNRNPH2 c.337G>A (p.Val113Ile) results in a conservative amino acid change located in the RNA recognition motif domain (IPR000504) of the encoded protein sequence. Three of five in-silico tools predict a damaging effect of the variant on protein function. The variant was absent in 182068 control chromosomes. The available data on variant occurrences in the general population are insufficient to allow any conclusion about variant significance. To our knowledge, no occurrence of c.337G>A in individuals affected with Intellectual Disability, X-Linked, Syndromic, Bain Type and no experimental evidence demonstrating its impact on protein function have been reported. No submitters have cited clinical-significance assessments for this variant to ClinVar. Based on the evidence outlined above, the variant was classified as uncertain significance.

GeneDx
Classification: Uncertain significance. Last evaluated: 2024-03-29. Review status: criteria provided, single submitter. Criteria: GeneDx Variant Classification Process June 2021. Collection method: clinical testing. Allele origin: germline. Affected: yes.
Comment: Not observed at significant frequency in large population cohorts (gnomAD); In silico analysis supports that this missense variant does not alter protein structure/function; Has not been previously published as pathogenic or benign to our knowledge